The following is an entry in ClinVar:

NM_000326.5(RLBP1):c.631_638del (p.Gln210_Gln211insTer)

Gene: RLBP1 (retinaldehyde binding protein 1; minus strand). Cytogenetic location: 15q26.1.
Variant type: Deletion.
Coding change: c.631_638del on transcript NM_000326.5 (MANE Select); coding-DNA positions 631 to 638, 8 bases deleted (CAGGCTGC; older notation c.631_638delCAGGCTGC).
Protein change: p.Gln210_Gln211insTer.
Molecular consequence: nonsense.
Genome position (GRCh38, 1-based): chr15:89,211,789-89,211,796, GCAGCCTG deleted on the plus strand (CAGGCTGC on the coding strand, the reverse complement: RLBP1 is on the minus strand). VCF-style (leftmost placement, unchanged base first): chr15-89211788-AGCAGCCTG-A. GRCh37 (hg19) VCF-style: chr15-89755019-AGCAGCCTG-A.
Identifiers: ClinVar variation 2848932 (VCV002848932.3), dbSNP rs1264781571, ClinGen allele CA716899296.

ClinVar aggregate classification (germline): Pathogenic (1 of 4 stars; one submission).

Allele frequency attached by ClinVar (database versions not stated): gnomAD exomes below 0.00001; TOPMed 0.00001; gnomAD 0.00001.

Submission:

Labcorp Genetics (formerly Invitae), Labcorp
Classification: Pathogenic. Last evaluated: 2025-12-08. Review status: criteria provided, single submitter. Criteria: Invitae Variant Classification Sherloc (09022015). Collection method: clinical testing. Allele origin: germline.
Comment: This sequence change creates a premature translational stop signal (p.Gln211*) in the RLBP1 gene. It is expected to result in an absent or disrupted protein product. Loss-of-function variants in RLBP1 are known to be pathogenic (PMID: 2392416, 11301032, 21447491, 25429852). This variant is not present in population databases (gnomAD no frequency). This variant has not been reported in the literature in individuals affected with RLBP1-related conditions. ClinVar contains an entry for this variant (Variation ID: 2848932). For these reasons, this variant has been classified as Pathogenic.

Literature cited by the submitters: PubMed 2392416; PubMed 11301032; PubMed 21447491; PubMed 25429852.